The following is an entry in ClinVar:

ClinVar aggregate classification (germline): Uncertain significance (1 of 4 stars; one submission).

Conditions:
Cataract 12 multiple types. Identifiers: Orphanet 91492, MedGen C3808115, MONDO:0012701, OMIM 611597.

Submission:

Labcorp Genetics (formerly Invitae), Labcorp
Classification: Uncertain significance for Cataract 12 multiple types. Last evaluated: 2025-12-25. Review status: criteria provided, single submitter. Criteria: Invitae Variant Classification Sherloc (09022015). Collection method: clinical testing. Allele origin: germline.
Comment: This sequence change replaces serine, which is neutral and polar, with proline, which is neutral and non-polar, at codon 325 of the BFSP2 protein (p.Ser325Pro). This variant is not present in population databases (gnomAD no frequency). This variant has not been reported in the literature in individuals affected with BFSP2-related conditions. Invitae Evidence Modeling of protein sequence and biophysical properties (such as structural, functional, and spatial information, amino acid conservation, physicochemical variation, residue mobility, and thermodynamic stability) indicates that this missense variant is not expected to disrupt BFSP2 protein function with a negative predictive value of 80%. In summary, the available evidence is currently insufficient to determine the role of this variant in disease. Therefore, it has been classified as a Variant of Uncertain Significance.

NM_003571.4(BFSP2):c.973T>C (p.Ser325Pro)

Genes: BFSP2 (beaded filament structural protein 2; plus strand), BFSP2-AS1 (BFSP2 antisense RNA 1; minus strand), LOC129937591 (ATAC-STARR-seq lymphoblastoid active region 20543; plus strand). Cytogenetic location: 3q22.1.
Variant type: single nucleotide variant.
Coding change: c.973T>C on transcript NM_003571.4 (MANE Select); coding-DNA position 973, T replaced by C.
Protein change: p.Ser325Pro; replaces serine 325 with proline.
Molecular consequence: missense variant.
Genome position (GRCh38, 1-based): chr3:133,466,909, T>C. VCF-style: chr3-133466909-T-C. GRCh37 (hg19) VCF-style: chr3-133185753-T-C.
Other names: short protein forms S325P.
Identifiers: ClinVar variation 4743599 (VCV004743599.1).